The following is an entry in ClinVar:

ClinVar aggregate classification (germline): Conflicting classifications of pathogenicity. Review status: criteria provided, conflicting classifications (1 of 4 stars). 11 submissions from 11 submitters: Uncertain significance (1); Benign (2); Likely benign (7). 1 of the submissions does not count toward it. Last evaluated 2026-01-04.

Conditions:
CDH1-related disorder. Also called: CDH1-related condition.
Hereditary cancer-predisposing syndrome. Also called: Tumor predisposition; Hereditary Cancer Syndrome; Hereditary neoplastic syndrome; Neoplastic Syndromes, Hereditary. Identifiers: Orphanet 140162, MedGen C0027672, MeSH D009386, MONDO:0015356.
Hereditary diffuse gastric adenocarcinoma (HDGC). Also called: DIFFUSE GASTRIC AND LOBULAR BREAST CANCER SYNDROME. Identifiers: Orphanet 26106, MedGen C1708349, MONDO:0007648, OMIM 137215.

Allele frequency attached by ClinVar (database versions not stated): gnomAD exomes below 0.00001 and 0.00001; TOPMed below 0.00001; ExAC 0.00001; gnomAD 0.00001; ESP Exome Variant Server 0.00008.
gnomAD v4.1: 10 of 1,613,948 alleles (0.00062%); highest among the groups gnomAD compares: Non-Finnish European, 0.00085%; no homozygotes.

Submissions (11):

Labcorp Genetics (formerly Invitae), Labcorp
Classification: Likely benign for Hereditary diffuse gastric adenocarcinoma. Last evaluated: 2026-01-04. Review status: criteria provided, single submitter. Criteria: Invitae Variant Classification Sherloc (09022015). Collection method: clinical testing. Allele origin: germline.

Myriad Genetics, Inc.
Classification: Benign for Hereditary diffuse gastric adenocarcinoma. Last evaluated: 2024-09-23. Review status: criteria provided, single submitter. Criteria: Myriad Autosomal Dominant, Autosomal Recessive and X-Linked Classification Criteria (2023). Collection method: clinical testing. Allele origin: unknown.
Comment: This variant is considered benign. This variant is a silent/synonymous amino acid change and it is not expected to impact splicing.

Quest Diagnostics Nichols Institute San Juan Capistrano
Classification: Likely benign. Last evaluated: 2022-09-27. Review status: criteria provided, single submitter. Criteria: Quest Diagnostics criteria. Collection method: clinical testing. Allele origin: unknown.

European Reference Network on Genetic Tumour Risk Syndromes (ERN-GENTURIS), i3s - Instituto de Investigação e Inovação em Saúde, University of Porto
Classification: Uncertain significance for Hereditary diffuse gastric adenocarcinoma. Last evaluated: 2022-08-01. Review status: criteria provided, single submitter. Criteria: Lee et al. (Hum Mutat. 2018). Collection method: clinical testing. Allele origin: germline. Inheritance: Autosomal dominant inheritance. Affected: yes. Study: ERN GENTURIS.
Comment: PS4_Supporting; PM2 (PMID: 30311375)

Sema4
Classification: Likely benign for Hereditary cancer-predisposing syndrome. Last evaluated: 2020-12-08. Review status: criteria provided, single submitter. Criteria: Sema4 Curation Guidelines. Collection method: curation. Allele origin: germline.

Women's Health and Genetics/Laboratory Corporation of America, LabCorp
Classification: Likely benign. Last evaluated: 2019-08-28. Review status: criteria provided, single submitter. Criteria: LabCorp Variant Classification Summary - May 2015. Collection method: clinical testing. Allele origin: germline.

Color Diagnostics, LLC DBA Color Health
Classification: Likely benign for Hereditary cancer-predisposing syndrome. Last evaluated: 2017-11-02. Review status: criteria provided, single submitter. Criteria: ACMG Guidelines, 2015. Collection method: clinical testing. Allele origin: germline.

Genetic Services Laboratory, University of Chicago
Classification: Likely benign. Last evaluated: 2017-01-27. Review status: criteria provided, single submitter. Criteria: ACMG Guidelines, 2015. Collection method: clinical testing. Allele origin: germline. Affected: no.

GeneDx
Classification: Benign. Last evaluated: 2015-09-04. Review status: criteria provided, single submitter. Criteria: GeneDx Variant Classification (06012015). Collection method: clinical testing. Allele origin: germline. Affected: yes.
Comment: This variant is considered likely benign or benign based on one or more of the following criteria: it is a conservative change, it occurs at a poorly conserved position in the protein, it is predicted to be benign by multiple in silico algorithms, and/or has population frequency not consistent with disease.

Ambry Genetics
Classification: Likely benign for Hereditary cancer-predisposing syndrome. Last evaluated: 2015-03-10. Review status: criteria provided, single submitter. Criteria: Ambry Variant Classification Scheme 2023. Collection method: clinical testing. Allele origin: germline.

PreventionGenetics, part of Exact Sciences
Classification: Likely benign for CDH1-related condition. Last evaluated: 2022-07-06. Review status: no assertion criteria provided. Collection method: clinical testing. Allele origin: germline. Not counted in ClinVar's aggregate classification.
Comment: This variant is classified as likely benign based on ACMG/AMP sequence variant interpretation guidelines (Richards et al. 2015 PMID: 25741868, with internal and published modifications).

Literature cited by the submitters: PubMed 36436516 (cited by European Reference Network on Genetic Tumour Risk Syndromes (ERN-GENTURIS), i3s - Instituto de Investigação e Inovação em Saúde, University of Porto).

NM_004360.5(CDH1):c.2322G>A (p.Arg774=)

Gene: CDH1 (cadherin 1; plus strand). Cytogenetic location: 16q22.1.
Variant type: single nucleotide variant.
Coding change: c.2322G>A on transcript NM_004360.5 (MANE Select); coding-DNA position 2322, G replaced by A.
Protein change: p.Arg774=; no amino-acid change (arginine 774 retained).
Molecular consequence: synonymous variant.
Genome position (GRCh38, 1-based): chr16:68,829,680, G>A. VCF-style: chr16-68829680-G-A. GRCh37 (hg19) VCF-style: chr16-68863583-G-A.
Other names: c.2322G>A (LRG_301t1); c.2139G>A, p.Arg713= (NM_001317184.2); c.774G>A, p.Arg258= (NM_001317185.2); c.357G>A, p.Arg119= (NM_001317186.2).
Identifiers: ClinVar variation 184854 (VCV000184854.30), dbSNP rs150734856, ClinGen allele CA190251.